The following is an entry in ClinVar:

ClinVar aggregate classification (germline): Uncertain significance (1 of 4 stars; one submission).

Conditions:
Gorlin syndrome. Also called: Basal cell nevus syndrome; Nevoid Basal Cell Carcinoma Syndrome. Identifiers: Orphanet 377, MedGen C0004779, MONDO:0007187.

Submission:

Labcorp Genetics (formerly Invitae), Labcorp
Classification: Uncertain significance for Gorlin syndrome. Last evaluated: 2021-03-18. Review status: criteria provided, single submitter. Criteria: Invitae Variant Classification Sherloc (09022015). Collection method: clinical testing. Allele origin: germline.
Comment: This sequence change replaces alanine with serine at codon 687 of the PTCH2 protein (p.Ala687Ser). The alanine residue is moderately conserved and there is a moderate physicochemical difference between alanine and serine. This variant is not present in population databases (ExAC no frequency). Algorithms developed to predict the effect of sequence changes on RNA splicing suggest that this variant may disrupt the consensus splice site, but this prediction has not been confirmed by published transcriptional studies. Algorithms developed to predict the effect of missense changes on protein structure and function (SIFT, PolyPhen-2, Align-GVGD) all suggest that this variant is likely to be tolerated, but these predictions have not been confirmed by published functional studies and their clinical significance is uncertain. This variant has not been reported in the literature in individuals with PTCH2-related conditions. In summary, the available evidence is currently insufficient to determine the role of this variant in disease. Therefore, it has been classified as a Variant of Uncertain Significance.

NM_003738.5(PTCH2):c.2059G>T (p.Ala687Ser)

Gene: PTCH2 (patched 2; minus strand). Cytogenetic location: 1p34.1.
Variant type: single nucleotide variant.
Coding change: c.2059G>T on transcript NM_003738.5 (MANE Select); coding-DNA position 2059, G replaced by T.
Protein change: p.Ala687Ser; replaces alanine 687 with serine.
Molecular consequence: missense variant.
Genome position (GRCh38, 1-based): chr1:44,827,714, C>A on the plus strand (G>T on the coding strand, the complement: PTCH2 is on the minus strand). VCF-style: chr1-44827714-C-A. GRCh37 (hg19) VCF-style: chr1-45293386-C-A.
Other names: c.2059G>T, p.Ala687Ser (NM_001166292.2); short protein forms A687S.
Identifiers: ClinVar variation 1517463 (VCV001517463.8), dbSNP rs2148875596, ClinGen allele CA340098376.
Genomic context (GRCh38, chr1:44,827,714, plus strand): 5'-CCAAGGTGGCTCCGTAGAGGCTCAGGCCCAGAAGAGCACCAAAGAGCACCAGCACGATGG[C>A]CTGCGGGATGTAGCAACTAAGCTGGAGACCCCAGGGCTGCCCCCAGCCCCTCAGGCAGTG-3'
Protein context (NP_003729.3, residues 677-697): APLLLQSHAK[Ala687Ser]IVLVLFGALL